The following is an entry in ClinVar:

NM_022124.6(CDH23):c.778G>A (p.Ala260Thr)

Gene: CDH23 (cadherin related 23; plus strand). Cytogenetic location: 10q22.1.
Variant type: single nucleotide variant.
Coding change: c.778G>A on transcript NM_022124.6 (MANE Select); coding-DNA position 778, G replaced by A.
Protein change: p.Ala260Thr; replaces alanine 260 with threonine.
Molecular consequence: missense variant.
Genome position (GRCh38, 1-based): chr10:71,577,938, G>A. VCF-style: chr10-71577938-G-A. GRCh37 (hg19) VCF-style: chr10-73337695-G-A.
Other names: c.778G>A, p.Ala260Thr (NM_001171930.2, NM_001171931.2, NM_001171932.2 and 1 more transcripts); short protein forms A260T.
Identifiers: ClinVar variation 1520061 (VCV001520061.10), dbSNP rs373294595, ClinGen allele CA5543552.

ClinVar aggregate classification (germline): Conflicting classifications of pathogenicity. Review status: criteria provided, conflicting classifications (1 of 4 stars). 5 submissions from 5 submitters: Likely pathogenic (2); Uncertain significance (3). Last evaluated 2026-05-15.

Conditions:
CDH23-related disorder. Also called: CDH23-related disorders; CDH23-related condition.
Pituitary adenoma 5, multiple types. Identifiers: MedGen C4539685, MONDO:0054601, OMIM 617540.

Allele frequency attached by ClinVar (database versions not stated): 1000 Genomes Project 30x 0.00016; 1000 Genomes Project 0.00020.
gnomAD v4.1: 23 of 1,604,538 alleles (0.0014%); highest among the groups gnomAD compares: African/African-American, 0.008%; no homozygotes.

Submissions (5):

Women's Health and Genetics/Laboratory Corporation of America, LabCorp
Classification: Uncertain significance. Last evaluated: 2026-05-15. Review status: criteria provided, single submitter. Criteria: LabCorp Variant Classification Summary - May 2015. Collection method: clinical testing. Allele origin: germline.
Comment: Variant summary: CDH23 c.778G>A (p.Ala260Thr) results in a non-conservative amino acid change in the encoded protein sequence. Algorithms developed to predict the effect of missense changes on protein structure and function all suggest that this variant is likely to be disruptive. The variant allele was found at a frequency of 1.3e-05 in 234414 control chromosomes. The available data on variant occurrences in the general population are insufficient to allow any conclusion about variant significance. c.778G>A has been observed in homozygous individual(s) affected with profound sensorineural hearing loss, however, from highly consanguineous backgrounds and in the presence of limited gene testing (e.g. Schultz_2011). These report(s) do not provide unequivocal conclusions about association of the variant with disease. To our knowledge, no experimental evidence demonstrating an impact on protein function has been reported. The following publication has been ascertained in the context of this evaluation (PMID: 21940737). ClinVar contains an entry for this variant (Variation ID: 1520061). Based on the evidence outlined above, the variant was classified as uncertain significance.

Baylor Genetics
Classification: Likely pathogenic for Pituitary adenoma 5, multiple types. Last evaluated: 2024-02-19. Review status: criteria provided, single submitter. Criteria: ACMG Guidelines, 2015. Collection method: clinical testing. Allele origin: unknown.

Blueprint Genetics
Classification: Likely pathogenic for CDH23-related disorders. Last evaluated: 2022-09-09. Review status: criteria provided, single submitter. Criteria: ACMG Guidelines, 2015. Collection method: clinical testing. Allele origin: germline. Affected: yes. Observed: 5 variant alleles.

Labcorp Genetics (formerly Invitae), Labcorp
Classification: Uncertain significance. Last evaluated: 2022-09-09. Review status: criteria provided, single submitter. Criteria: Invitae Variant Classification Sherloc (09022015). Collection method: clinical testing. Allele origin: germline.
Comment: This sequence change replaces alanine, which is neutral and non-polar, with threonine, which is neutral and polar, at codon 260 of the CDH23 protein (p.Ala260Thr). The frequency data for this variant in the population databases is considered unreliable, as metrics indicate poor data quality at this position in the gnomAD database. This missense change has been observed in individual(s) with non-syndromic deafness (PMID: 21940737). ClinVar contains an entry for this variant (Variation ID: 1520061). Advanced modeling of protein sequence and biophysical properties (such as structural, functional, and spatial information, amino acid conservation, physicochemical variation, residue mobility, and thermodynamic stability) has been performed at Invitae for this missense variant, however the output from this modeling did not meet the statistical confidence thresholds required to predict the impact of this variant on CDH23 protein function. In summary, the available evidence is currently insufficient to determine the role of this variant in disease. Therefore, it has been classified as a Variant of Uncertain Significance.

GeneDx
Classification: Uncertain significance. Last evaluated: 2022-08-30. Review status: criteria provided, single submitter. Criteria: GeneDx Variant Classification Process June 2021. Collection method: clinical testing. Allele origin: germline. Affected: yes.
Comment: In silico analysis supports that this missense variant has a deleterious effect on protein structure/function; This variant is associated with the following publications: (PMID: 21940737, 30531642)

Literature cited by the submitters: PubMed 21940737 (cited by Women's Health and Genetics/Laboratory Corporation of America, LabCorp and Labcorp Genetics (formerly Invitae), Labcorp).